The following is an entry in ClinVar:

NM_000330.4(RS1):c.307C>A (p.Leu103Ile)

Genes: CDKL5 (cyclin dependent kinase like 5; plus strand), RS1 (retinoschisin 1; minus strand). Cytogenetic location: Xp22.13.
Variant type: single nucleotide variant.
Coding change: c.307C>A on transcript NM_000330.4 (MANE Select); coding-DNA position 307, C replaced by A.
Protein change: p.Leu103Ile; replaces leucine 103 with isoleucine.
Molecular consequence: missense variant. On other transcripts: intron variant (2).
Genome position (GRCh38, 1-based): chrX:18,647,210, G>T on the plus strand (C>A on the coding strand, the complement: RS1 is on the minus strand). VCF-style: chrX-18647210-G-T. GRCh37 (hg19) VCF-style: chrX-18665330-G-T.
Other names: c.2797+1120G>T (NM_003159.3, NM_001037343.2); short protein forms L103I.
Identifiers: ClinVar variation 4706755 (VCV004706755.1).

ClinVar aggregate classification (germline): Likely pathogenic (1 of 4 stars; one submission).

gnomAD v4.1: 3 of 1,211,071 alleles (0.00025%); highest among the groups gnomAD compares: Non-Finnish European, 0.00034%; no homozygotes.

Submission:

Labcorp Genetics (formerly Invitae), Labcorp
Classification: Likely pathogenic. Last evaluated: 2025-11-13. Review status: criteria provided, single submitter. Criteria: Invitae Variant Classification Sherloc (09022015). Collection method: clinical testing. Allele origin: germline.
Comment: This sequence change replaces leucine, which is neutral and non-polar, with isoleucine, which is neutral and non-polar, at codon 103 of the RS1 protein (p.Leu103Ile). This variant is not present in population databases (gnomAD no frequency). This variant has not been reported in the literature in individuals affected with RS1-related conditions. Invitae Evidence Modeling of protein sequence and biophysical properties (such as structural, functional, and spatial information, amino acid conservation, physicochemical variation, residue mobility, and thermodynamic stability) indicates that this missense variant is expected to disrupt RS1 protein function with a positive predictive value of 95%. This variant disrupts the p.Leu103 amino acid residue in RS1. Other variant(s) that disrupt this residue have been determined to be pathogenic (PMID: 9618178, 34822951). This suggests that this residue is clinically significant, and that variants that disrupt this residue are likely to be disease-causing. In summary, the currently available evidence indicates that the variant is pathogenic, but additional data are needed to prove that conclusively. Therefore, this variant has been classified as Likely Pathogenic.

Literature cited by the submitters: PubMed 9618178; PubMed 34822951.